The following is an entry in ClinVar:

NM_000393.5(COL5A2):c.1579C>T (p.Arg527Cys)

Gene: COL5A2 (collagen type V alpha 2 chain; minus strand). Cytogenetic location: 2q32.2.
Variant type: single nucleotide variant.
Coding change: c.1579C>T on transcript NM_000393.5 (MANE Select); coding-DNA position 1579, C replaced by T.
Protein change: p.Arg527Cys; replaces arginine 527 with cysteine.
Molecular consequence: missense variant.
Genome position (GRCh38, 1-based): chr2:189,065,042, G>A on the plus strand (C>T on the coding strand, the complement: COL5A2 is on the minus strand). VCF-style: chr2-189065042-G-A. GRCh37 (hg19) VCF-style: chr2-189929768-G-A.
Other names: p.R527C:CGT>TGT; short protein forms R527C.
Identifiers: ClinVar variation 213097 (VCV000213097.16), dbSNP rs863223490, ClinGen allele CA324075.

ClinVar aggregate classification (germline): Uncertain significance. Review status: criteria provided, multiple submitters, no conflicts (2 of 4 stars). 5 submissions from 5 submitters: Uncertain significance (5). Last evaluated 2025-04-13.

Conditions:
Ehlers-Danlos syndrome, classic type, 1 (EDSCL1). Also called: Ehlers-Danlos Syndrome, Classic Type, COL5A1-Related; EHLERS-DANLOS SYNDROME, GRAVIS TYPE; EHLERS-DANLOS SYNDROME, SEVERE CLASSIC TYPE; Ehlers-Danlos syndrome, type 1; EDS I. Identifiers: MedGen C0268335, MONDO:0019567, OMIM 130000.
Familial thoracic aortic aneurysm and aortic dissection (TAAD). Also called: Thoracic aortic aneurysms and dissections. Identifiers: Orphanet 91387, MedGen C4707243, MONDO:0019625.

Allele frequency attached by ClinVar (database versions not stated): gnomAD exomes below 0.00001; gnomAD 0.00001.
gnomAD v4.1: 6 of 1,613,588 alleles (0.00037%); highest among the groups gnomAD compares: Middle Eastern, 0.016%; no homozygotes.

Submissions (5):

Labcorp Genetics (formerly Invitae), Labcorp
Classification: Uncertain significance for Ehlers-Danlos syndrome, classic type, 1. Last evaluated: 2025-04-13. Review status: criteria provided, single submitter. Criteria: Invitae Variant Classification Sherloc (09022015). Collection method: clinical testing. Allele origin: germline.
Comment: This sequence change replaces arginine, which is basic and polar, with cysteine, which is neutral and slightly polar, at codon 527 of the COL5A2 protein (p.Arg527Cys). This variant is present in population databases (no rsID available, gnomAD 0.003%). This variant has not been reported in the literature in individuals affected with COL5A2-related conditions. ClinVar contains an entry for this variant (Variation ID: 213097). Invitae Evidence Modeling of protein sequence and biophysical properties (such as structural, functional, and spatial information, amino acid conservation, physicochemical variation, residue mobility, and thermodynamic stability) indicates that this missense variant is expected to disrupt COL5A2 protein function with a positive predictive value of 80%. Algorithms developed to predict the effect of sequence changes on RNA splicing suggest that this variant may disrupt the consensus splice site. In summary, the available evidence is currently insufficient to determine the role of this variant in disease. Therefore, it has been classified as a Variant of Uncertain Significance.

Women's Health and Genetics/Laboratory Corporation of America, LabCorp
Classification: Uncertain significance. Last evaluated: 2024-06-26. Review status: criteria provided, single submitter. Criteria: LabCorp Variant Classification Summary - May 2015. Collection method: clinical testing. Allele origin: germline.
Comment: Variant summary: COL5A2 c.1579C>T (p.Arg527Cys) results in a non-conservative amino acid change in the encoded protein sequence. Five of five in-silico tools predict a damaging effect of the variant on protein function. The variant allele was found at a frequency of 4e-06 in 250668 control chromosomes. The available data on variant occurrences in the general population are insufficient to allow any conclusion about variant significance. To our knowledge, no occurrence of c.1579C>T in individuals affected with Ehlers-Danlos Syndrome and no experimental evidence demonstrating its impact on protein function have been reported. ClinVar contains an entry for this variant (Variation ID: 213097). Based on the evidence outlined above, the variant was classified as uncertain significance.

GeneDx
Classification: Uncertain significance. Last evaluated: 2024-01-17. Review status: criteria provided, single submitter. Criteria: GeneDx Variant Classification Process June 2021. Collection method: clinical testing. Allele origin: germline. Affected: yes.
Comment: Has not been previously published as pathogenic or benign to our knowledge; Not observed at significant frequency in large population cohorts (gnomAD); At the mRNA level, in silico analysis is inconclusive as to whether the variant alters gene splicing. In the absence of RNA/functional studies, the actual effect of this sequence change is unknown.; At the protein level, in silico analysis supports that this missense variant has a deleterious effect on protein structure/function

Mendelics
Classification: Uncertain significance. Last evaluated: 2022-05-04. Review status: criteria provided, single submitter. Criteria: Mendelics Assertion Criteria 2019. Collection method: clinical testing. Allele origin: germline.

Ambry Genetics
Classification: Uncertain significance for Familial thoracic aortic aneurysm and aortic dissection. Last evaluated: 2019-02-14. Review status: criteria provided, single submitter. Criteria: Ambry Variant Classification Scheme 2023. Collection method: clinical testing. Allele origin: germline.
Comment: The p.R527C variant (also known as c.1579C>T), located in coding exon 24 of the COL5A2 gene, results from a C to T substitution at nucleotide position 1579. The arginine at codon 527 is replaced by cysteine, an amino acid with highly dissimilar properties. This amino acid position is highly conserved in available vertebrate species. In addition, this alteration is predicted to be deleterious by in silico analysis. Since supporting evidence is limited at this time, the clinical significance of this alteration remains unclear.